The following is an entry in ClinVar:

NM_000026.4(ADSL):c.357+1G>A

Gene: ADSL (adenylosuccinate lyase; plus strand). Cytogenetic location: 22q13.1.
Variant type: single nucleotide variant.
Coding change: c.357+1G>A on transcript NM_000026.4 (MANE Select); the canonical splice donor site of the intron after coding-DNA position 357, G replaced by A.
Molecular consequence: splice donor variant.
Genome position (GRCh38, 1-based): chr22:40,350,036, G>A. VCF-style: chr22-40350036-G-A. GRCh37 (hg19) VCF-style: chr22-40746040-G-A.
Other names: c.357+1G>A (NM_001363840.3, NM_001410812.1, NM_001123378.3 and 2 more transcripts); c.165+1G>A (NM_001317923.2).
Identifiers: ClinVar variation 1501479 (VCV001501479.6), dbSNP rs1275901345, ClinGen allele CA411635619.

ClinVar aggregate classification (germline): Likely pathogenic (1 of 4 stars; one submission).

Conditions:
Adenylosuccinate lyase deficiency (ADSLD). Also called: ADSL DEFICIENCY. Identifiers: Orphanet 46, MedGen C0268126, MONDO:0007068, OMIM 103050.

Allele frequency attached by ClinVar (database versions not stated): gnomAD exomes below 0.00001 and 0.00001.
gnomAD v4.1: 3 of 1,613,098 alleles (0.00019%); highest among the groups gnomAD compares: Admixed American, 0.0033%; no homozygotes.

Submission:

Labcorp Genetics (formerly Invitae), Labcorp
Classification: Likely pathogenic for Adenylosuccinate lyase deficiency. Last evaluated: 2023-03-30. Review status: criteria provided, single submitter. Criteria: Invitae Variant Classification Sherloc (09022015). Collection method: clinical testing. Allele origin: germline.
Comment: This sequence change affects a donor splice site in intron 2 of the ADSL gene. It is expected to disrupt RNA splicing. Variants that disrupt the donor or acceptor splice site typically lead to a loss of protein function (PMID: 16199547), and loss-of-function variants in ADSL are known to be pathogenic (PMID: 10888601, 20177786). In summary, the currently available evidence indicates that the variant is pathogenic, but additional data are needed to prove that conclusively. Therefore, this variant has been classified as Likely Pathogenic. Algorithms developed to predict the effect of sequence changes on RNA splicing suggest that this variant may disrupt the consensus splice site. ClinVar contains an entry for this variant (Variation ID: 1501479). This variant has not been reported in the literature in individuals affected with ADSL-related conditions. This variant is present in population databases (no rsID available, gnomAD 0.006%).

Literature cited by the submitters: PubMed 16199547; PubMed 10888601; PubMed 20177786.